The following is an entry in ClinVar:

ClinVar aggregate classification (germline): Uncertain significance (1 of 4 stars; one submission).

Conditions:
Thrombocytopenia 5 (THC5). Also called: THROMBOCYTOPENIA 5 WITH INCREASED SUSCEPTIBILITY TO MALIGNANCY; THROMBOCYTOPENIA, AUTOSOMAL DOMINANT, 5. Identifiers: MedGen C4015537, MONDO:0014536, OMIM 616216.

Submission:

ISTH-SSC Genomics in Thrombosis and Hemostasis, KU Leuven, Center for Molecular and Vascular Biology
Classification: Uncertain significance for Thrombocytopenia 5. Review status: criteria provided, single submitter. Criteria: ACMG Guidelines, 2015. Collection method: clinical testing. Allele origin: germline. Affected: yes. Observed: 2 heterozygotes. Clinical features observed: Bleeding, thrombocytopenia, transient anemia, transient neutropenia, Thrombocytopenia.
Comment: GoldVariant submitter: Juliana Perez Botero Versiti Diagnostic Laboratories, USA

Literature cited by the submitters: PubMed 34355501.

NM_001987.5(ETV6):c.1034T>G (p.Val345Gly)

Genes: ETV6 (ETS variant transcription factor 6; plus strand), LOC126861452 (CDK7 strongly-dependent group 2 enhancer GRCh37_chr12:12037195-12038394; plus strand). Cytogenetic location: 12p13.2.
Variant type: single nucleotide variant.
Coding change: c.1034T>G on transcript NM_001987.5 (MANE Select); coding-DNA position 1034, T replaced by G.
Protein change: p.Val345Gly; replaces valine 345 with glycine.
Molecular consequence: missense variant.
Genome position (GRCh38, 1-based): chr12:11,884,469, T>G. VCF-style: chr12-11884469-T-G. GRCh37 (hg19) VCF-style: chr12-12037403-T-G.
Other names: short protein forms V345G.
Identifiers: ClinVar variation 1677253 (VCV001677253.1), dbSNP rs2136595350, ClinGen allele CA384044516.